The following is an entry in ClinVar:

NM_017802.4(DNAAF5):c.1127G>A (p.Arg376Gln)

Gene: DNAAF5 (dynein axonemal assembly factor 5; plus strand). Cytogenetic location: 7p22.3.
Variant type: single nucleotide variant.
Coding change: c.1127G>A on transcript NM_017802.4 (MANE Select); coding-DNA position 1127, G replaced by A.
Protein change: p.Arg376Gln; replaces arginine 376 with glutamine.
Molecular consequence: missense variant. On other transcripts: non-coding transcript variant (1).
Genome position (GRCh38, 1-based): chr7:754,691, G>A. VCF-style: chr7-754691-G-A. GRCh37 (hg19) VCF-style: chr7-794328-G-A.
Other names: short protein forms R376Q.
Identifiers: ClinVar variation 857044 (VCV000857044.1), dbSNP rs760488601, ClinGen allele CA4110604.

ClinVar aggregate classification (germline): Uncertain significance (1 of 4 stars; one submission).

Conditions:
Primary ciliary dyskinesia. Also called: Ciliary dyskinesia. Identifiers: Orphanet 244, MedGen C0008780, MONDO:0016575, HP:0012265.

Allele frequency attached by ClinVar (database versions not stated): TOPMed 0.00002.
gnomAD v4.1: 12 of 1,614,012 alleles (0.00074%); highest among the groups gnomAD compares: Middle Eastern, 0.016%; no homozygotes.

Submission:

Labcorp Genetics (formerly Invitae), Labcorp
Classification: Uncertain significance for Primary ciliary dyskinesia. Last evaluated: 2019-02-15. Review status: criteria provided, single submitter. Criteria: Invitae Variant Classification Sherloc (09022015). Collection method: clinical testing. Allele origin: germline.
Comment: This sequence change replaces arginine with glutamine at codon 376 of the DNAAF5 protein (p.Arg376Gln). The arginine residue is highly conserved and there is a small physicochemical difference between arginine and glutamine. This variant is present in population databases (rs760488601, ExAC 0.01%). This variant has not been reported in the literature in individuals with DNAAF5-related conditions. Algorithms developed to predict the effect of missense changes on protein structure and function are either unavailable or do not agree on the potential impact of this missense change (SIFT: "Deleterious"; PolyPhen-2: "Probably Damaging"; Align-GVGD: "Class C0"). In summary, the available evidence is currently insufficient to determine the role of this variant in disease. Therefore, it has been classified as a Variant of Uncertain Significance.